The following is an entry in ClinVar:

ClinVar aggregate classification (germline): Uncertain significance (1 of 4 stars; one submission).

Allele frequency attached by ClinVar (database versions not stated): gnomAD exomes below 0.00001.
gnomAD v4.1: 1 of 1,614,112 alleles (0.000062%); highest among the groups gnomAD compares: Non-Finnish European, 0.000085%; no homozygotes.

Submission:

Ambry Genetics
Classification: Uncertain significance. Last evaluated: 2022-09-16. Review status: criteria provided, single submitter. Criteria: Ambry Variant Classification Scheme 2023. Collection method: clinical testing. Allele origin: germline.
Comment: The p.I100V variant (also known as c.298A>G), located in coding exon 1 of the MLH3 gene, results from an A to G substitution at nucleotide position 298. The isoleucine at codon 100 is replaced by valine, an amino acid with highly similar properties. This amino acid position is conserved. In addition, the in silico prediction for this alteration is inconclusive. Since supporting evidence is limited at this time, the clinical significance of this alteration remains unclear.

NM_001040108.2(MLH3):c.298A>G (p.Ile100Val)

Gene: MLH3 (mutL homolog 3; minus strand). Cytogenetic location: 14q24.3.
Variant type: single nucleotide variant.
Coding change: c.298A>G on transcript NM_001040108.2 (MANE Select); coding-DNA position 298, A replaced by G.
Protein change: p.Ile100Val; replaces isoleucine 100 with valine.
Molecular consequence: missense variant.
Genome position (GRCh38, 1-based): chr14:75,049,358, T>C on the plus strand (A>G on the coding strand, the complement: MLH3 is on the minus strand). VCF-style: chr14-75049358-T-C. GRCh37 (hg19) VCF-style: chr14-75516061-T-C.
Other names: c.298A>G, p.Ile100Val (NM_014381.3); short protein forms I100V.
Identifiers: ClinVar variation 1798486 (VCV001798486.2), dbSNP rs1892506024, ClinGen allele CA390451094.
Genomic context (GRCh38, chr14:75,049,358, plus strand): 5'-AAGTTTTCATTGTCCTGTTTTTCTTGGACGAAATTTCCACAGCACTGGCCATGTCAGCAA[T>C]ATTTGCCAAGGCCTCTCCTCGGAAACCATAAAACCTTGGATTCTCCAAGTCCTGTACCGA-3'
Protein context (NP_001035197.1, residues 90-110): YGFRGEALAN[Ile100Val]ADMASAVEIS